The following is an entry in ClinVar:

NM_138459.5(NUS1):c.368_372dup (p.Met125fs)

Gene: NUS1 (NUS1 dehydrodolichyl diphosphate synthase subunit; plus strand). Cytogenetic location: 6q22.1.
Variant type: Microsatellite.
Coding change: c.368_372dup on transcript NM_138459.5 (MANE Select); coding-DNA positions 368 to 372, 5 bases duplicated (GGTGT; older notation c.368_372dupGGTGT).
Protein change: p.Met125fs; shifts the reading frame from methionine 125.
Molecular consequence: frameshift variant.
Genome position (GRCh38, 1-based): chr6:117,676,038-117,676,042, GGTGT duplicated; duplicating any 5 consecutive bases within chr6:117,676,031-117,676,042 gives the same sequence; the c. name uses the placement nearest the transcript's 3' end. VCF-style (leftmost placement, unchanged base first): chr6-117676030-C-CGTGGT. GRCh37 (hg19) VCF-style: chr6-117997193-C-CGTGGT.
Other names: short protein forms M125fs.
Identifiers: ClinVar variation 4880760 (VCV004880760.2).

ClinVar aggregate classification (germline): Likely pathogenic (1 of 4 stars; one submission).

Submission:

Dasa
Classification: Likely pathogenic. Last evaluated: 2025-06-26. Review status: criteria provided, single submitter. Criteria: DASA Assertion Criteria. Collection method: clinical testing. Allele origin: germline.
Comment: NM_138459.5(NUS1):c.368_372dup (p.Met125Glyfs*26) is a frameshift variant in NUS1 predicted to alter the reading frame and introduce a premature termination codon and is predicted to result in an absent or altered protein product. Loss of function is an established disease mechanism for NUS1 (PMID: 29100083; PMID: 34532305; PMID: 33731878). Also, this variant is absent from population databases. Based on the currently available evidence, this variant is classified as likely pathogenic.

Literature cited by the submitters: PubMed 29100083; PubMed 34532305; PubMed 33731878.